The following is an entry in ClinVar:

NM_014231.5(VAMP1):c.2+3G>A

Genes: TAPBPL (TAP binding protein like; plus strand), VAMP1 (vesicle associated membrane protein 1; minus strand). Cytogenetic location: 12p13.31.
Variant type: single nucleotide variant.
Coding change: c.2+3G>A on transcript NM_014231.5 (MANE Select); 3 bases into the intron after coding-DNA position 2, G replaced by A.
Molecular consequence: intron variant.
Genome position (GRCh38, 1-based): chr12:6,470,527, C>T on the plus strand (G>A on the coding strand, the complement: VAMP1 is on the minus strand). VCF-style: chr12-6470527-C-T. GRCh37 (hg19) VCF-style: chr12-6579693-C-T.
Other names: c.2+3G>A (NM_016830.4, NM_001297438.2, NM_199245.3).
Identifiers: ClinVar variation 1416465 (VCV001416465.6), dbSNP rs982874261, ClinGen allele CA232347719.

ClinVar aggregate classification (germline): Uncertain significance (1 of 4 stars; one submission).

Conditions:
Spastic paraplegia. Identifiers: MedGen C0037772, HP:0001258.

Allele frequency attached by ClinVar (database versions not stated): gnomAD 0.00001; TOPMed 0.00001.
gnomAD v4.1: 1 of 1,613,942 alleles (0.000062%); highest among the groups gnomAD compares: Admixed American, 0.0017%; no homozygotes.

Submission:

Labcorp Genetics (formerly Invitae), Labcorp
Classification: Uncertain significance for Spastic paraplegia. Last evaluated: 2022-11-01. Review status: criteria provided, single submitter. Criteria: Invitae Variant Classification Sherloc (09022015). Collection method: clinical testing. Allele origin: germline.
Comment: In summary, the available evidence is currently insufficient to determine the role of this variant in disease. Therefore, it has been classified as a Variant of Uncertain Significance. Variants that disrupt the consensus splice site are a relatively common cause of aberrant splicing (PMID: 17576681, 9536098). Algorithms developed to predict the effect of sequence changes on RNA splicing suggest that this variant is not likely to affect RNA splicing. ClinVar contains an entry for this variant (Variation ID: 1416465). This variant has not been reported in the literature in individuals affected with VAMP1-related conditions. This variant is present in population databases (no rsID available, gnomAD no frequency). This sequence change falls in intron 1 of the VAMP1 gene. It does not directly change the encoded amino acid sequence of the VAMP1 protein. It affects a nucleotide within the consensus splice site.

Literature cited by the submitters: PubMed 17576681; PubMed 9536098.